The following is an entry in ClinVar:

ClinVar aggregate classification (germline): Conflicting classifications of pathogenicity. Review status: criteria provided, conflicting classifications (1 of 4 stars). 2 submissions from 2 submitters: Uncertain significance (1); Likely benign (1). Last evaluated 2025-09-13.

Conditions:
IFT172-related disorder. Also called: IFT172-related condition; IFT172-related disorders.
Short-rib thoracic dysplasia 10 with or without polydactyly (SRTD10). Identifiers: Orphanet 474, MedGen C3810175, MONDO:0014284, OMIM 615630.
Retinitis pigmentosa 71 (RP71). Identifiers: Orphanet 791, MedGen C4225342, MONDO:0014618, OMIM 616394.

Allele frequency attached by ClinVar (database versions not stated): ExAC 0.00001; TOPMed 0.00001; gnomAD 0.00003.
gnomAD v4.1: 4 of 1,613,940 alleles (0.00025%); highest among the groups gnomAD compares: African/African-American, 0.0053%; no homozygotes.

Submissions (2):

Labcorp Genetics (formerly Invitae), Labcorp
Classification: Likely benign for Retinitis pigmentosa 71; Short-rib thoracic dysplasia 10 with or without polydactyly. Last evaluated: 2025-09-13. Review status: criteria provided, single submitter. Criteria: Invitae Variant Classification Sherloc (09022015). Collection method: clinical testing. Allele origin: germline.

PreventionGenetics, part of Exact Sciences
Classification: Uncertain significance for IFT172-related condition. Last evaluated: 2023-05-05. Review status: criteria provided, single submitter. Criteria: ACMG Guidelines, 2015. Collection method: clinical testing. Allele origin: germline.
Comment: The IFT172 c.723G>T variant is not predicted to result in an amino acid change (p.=). This variant is predicted to create a cryptic splice donor site (Alamut Visual Plus v1.6.1). To our knowledge, this variant has not been reported in the literature. This variant is reported in 0.0062% of alleles in individuals of African descent in gnomAD. At this time, the clinical significance of this variant is uncertain due to the absence of conclusive functional and genetic evidence.

NM_015662.3(IFT172):c.723G>T (p.Arg241=)

Gene: IFT172 (intraflagellar transport 172; minus strand). Cytogenetic location: 2p23.3.
Variant type: single nucleotide variant.
Coding change: c.723G>T on transcript NM_015662.3 (MANE Select); coding-DNA position 723, G replaced by T.
Protein change: p.Arg241=; no amino-acid change (arginine 241 retained).
Molecular consequence: synonymous variant.
Genome position (GRCh38, 1-based): chr2:27,481,108, C>A on the plus strand (G>T on the coding strand, the complement: IFT172 is on the minus strand). VCF-style: chr2-27481108-C-A. GRCh37 (hg19) VCF-style: chr2-27703975-C-A.
Other names: c.723G>T, p.Arg241= (NM_001410739.1).
Identifiers: ClinVar variation 2633117 (VCV002633117.3), dbSNP rs745698076, ClinGen allele CA1580888.